The following is an entry in ClinVar:

ClinVar aggregate classification (germline): Uncertain significance (1 of 4 stars; one submission).

Conditions:
Inborn genetic diseases. Identifiers: MedGen C0950123, MeSH D030342.

gnomAD v4.1: 5 of 1,210,156 alleles (0.00041%); highest among the groups gnomAD compares: Non-Finnish European, 0.00034%; no homozygotes.

Submission:

Ambry Genetics
Classification: Uncertain significance for Inborn genetic diseases. Last evaluated: 2025-05-30. Review status: criteria provided, single submitter. Criteria: Ambry Variant Classification Scheme 2023. Collection method: clinical testing. Allele origin: germline.
Comment: The p.E193K variant (also known as c.577G>A), located in coding exon 5 of the IDS gene, results from a G to A substitution at nucleotide position 577. The glutamic acid at codon 193 is replaced by lysine, an amino acid with similar properties. This amino acid position is conserved. In addition, the in silico prediction for this alteration is inconclusive. Based on the available evidence, the clinical significance of this variant remains unclear.

NM_000202.8(IDS):c.577G>A (p.Glu193Lys)

Genes: IDS (iduronate 2-sulfatase; minus strand), LOC106050102 (IDS recombination region; plus strand). Cytogenetic location: Xq28.
Variant type: single nucleotide variant.
Coding change: c.577G>A on transcript NM_000202.8 (MANE Select); coding-DNA position 577, G replaced by A.
Protein change: p.Glu193Lys; replaces glutamic acid 193 with lysine.
Molecular consequence: missense variant. On other transcripts: non-coding transcript variant (1).
Genome position (GRCh38, 1-based): chrX:149,498,238, C>T on the plus strand (G>A on the coding strand, the complement: IDS is on the minus strand). VCF-style: chrX-149498238-C-T. GRCh37 (hg19) VCF-style: chrX-148579769-C-T.
Other names: c.307G>A, p.Glu103Lys (NM_001166550.4); c.577G>A, p.Glu193Lys (NM_006123.5); short protein forms E193K, E103K.
Identifiers: ClinVar variation 4037212 (VCV004037212.1).
Genomic context (GRCh38, chrX:149,498,238, plus strand): 5'-TCATCTTTTCCAACAACTGTATGGCTTGCTCAGTGCTCTGTTTGTCAGGCAAGGTGCCCT[C>T]GGGAACATCCAGCACATCCACAGGGCAAAGCAGGTTGGCATGGAGTTCTCCATCTGGCCC-3'
Protein context (NP_000193.1, residues 183-203): LCPVDVLDVP[Glu193Lys]GTLPDKQSTE